The following is an entry in ClinVar:

ClinVar aggregate classification (germline): Uncertain significance (1 of 4 stars; one submission).

Submission:

Labcorp Genetics (formerly Invitae), Labcorp
Classification: Uncertain significance. Last evaluated: 2026-01-17. Review status: criteria provided, single submitter. Criteria: Invitae Variant Classification Sherloc (09022015). Collection method: clinical testing. Allele origin: germline.
Comment: This sequence change replaces glutamic acid, which is acidic and polar, with glutamine, which is neutral and polar, at codon 489 of the TLR7 protein (p.Glu489Gln). This variant is present in population databases (rs762945980, gnomAD 0.001%). This variant has not been reported in the literature in individuals affected with TLR7-related conditions. An algorithm developed to predict the effect of missense changes on protein structure and function (PolyPhen-2) suggests that this variant is likely to be tolerated. In summary, the available evidence is currently insufficient to determine the role of this variant in disease. Therefore, it has been classified as a Variant of Uncertain Significance.

NM_016562.4(TLR7):c.1465G>C (p.Glu489Gln)

Gene: TLR7 (toll like receptor 7; plus strand). Cytogenetic location: Xp22.2.
Variant type: single nucleotide variant.
Coding change: c.1465G>C on transcript NM_016562.4 (MANE Select); coding-DNA position 1465, G replaced by C.
Protein change: p.Glu489Gln; replaces glutamic acid 489 with glutamine.
Molecular consequence: missense variant.
Genome position (GRCh38, 1-based): chrX:12,886,973, G>C. VCF-style: chrX-12886973-G-C. GRCh37 (hg19) VCF-style: chrX-12905092-G-C.
Other names: short protein forms E489Q.
Identifiers: ClinVar variation 4761374 (VCV004761374.1).